The following is an entry in ClinVar:

ClinVar aggregate classification (germline): Uncertain significance (1 of 4 stars; one submission).

Allele frequency attached by ClinVar (database versions not stated): gnomAD 0.00001; ExAC 0.00004; gnomAD exomes 0.00004 and 0.00006; TOPMed 0.00004; ESP Exome Variant Server 0.00022.
gnomAD v4.1: 83 of 1,551,666 alleles (0.0053%); highest among the groups gnomAD compares: Non-Finnish European, 0.007%; no homozygotes.

Submission:

Labcorp Genetics (formerly Invitae), Labcorp
Classification: Uncertain significance. Last evaluated: 2022-08-23. Review status: criteria provided, single submitter. Criteria: Invitae Variant Classification Sherloc (09022015). Collection method: clinical testing. Allele origin: germline.
Comment: This sequence change replaces proline, which is neutral and non-polar, with leucine, which is neutral and non-polar, at codon 1673 of the UNC80 protein (p.Pro1673Leu). This variant is present in population databases (rs368469944, gnomAD 0.01%). This variant has not been reported in the literature in individuals affected with UNC80-related conditions. ClinVar contains an entry for this variant (Variation ID: 1422896). Algorithms developed to predict the effect of missense changes on protein structure and function are either unavailable or do not agree on the potential impact of this missense change (SIFT: "Not Available"; PolyPhen-2: "Probably Damaging"; Align-GVGD: "Not Available"). In summary, the available evidence is currently insufficient to determine the role of this variant in disease. Therefore, it has been classified as a Variant of Uncertain Significance.

NM_001371986.1(UNC80):c.5216C>T (p.Pro1739Leu)

Genes: UNC80 (unc-80 homolog, NALCN channel complex subunit; plus strand), LOC126806490 (P300/CBP strongly-dependent group 1 enhancer GRCh37_chr2:210782411-210783610; plus strand). Cytogenetic location: 2q34.
Variant type: single nucleotide variant.
Coding change: c.5216C>T on transcript NM_001371986.1 (MANE Select); coding-DNA position 5216, C replaced by T.
Protein change: p.Pro1739Leu; replaces proline 1739 with leucine.
Molecular consequence: missense variant.
Genome position (GRCh38, 1-based): chr2:209,918,536, C>T. VCF-style: chr2-209918536-C-T. GRCh37 (hg19) VCF-style: chr2-210783260-C-T.
Other names: c.5018C>T, p.Pro1673Leu (NM_032504.2); c.5003C>T, p.Pro1668Leu (NM_182587.4); short protein forms P1668L, P1673L, P1739L.
Identifiers: ClinVar variation 1422896 (VCV001422896.5), dbSNP rs368469944, ClinGen allele CA2083268.
Genomic context (GRCh38, chr2:209,918,536, plus strand): 5'-AGCCTCATTCTAGCTTATATTCCCTCTCACCTAATTTTTCTGATGTCAACTAACAGATTC[C>T]GCCTCCCAGTATCAATTTCACCCTTCCCTCGCCGGTGCTTGGAATGCCATCCGTCCCAAT-3'
Protein context (NP_001358915.1, residues 1729-1749): EEGAQQIFKI[Pro1739Leu]PPSINFTLPS